The following is an entry in ClinVar:

ClinVar aggregate classification (germline): Likely benign. Review status: criteria provided, single submitter (1 of 4 stars). 2 submissions from 2 submitters: Likely benign (1). 1 of the submissions does not count toward it. Last evaluated 2024-07-13.

Conditions:
Peroxisome biogenesis disorder 9B. Also called: PEROXISOME BIOGENESIS DISORDER, PEX7-RELATED, ATYPICAL; PEX7-Related Refsum Disease; Refsum disease, adult, 2. Identifiers: Orphanet 773, MedGen C2749346, MONDO:0013945, OMIM 614879.
PEX7-related disorder. Also called: PEX7-related disorders; PEX7-related condition. Identifiers: MedGen CN239409.

Allele frequency attached by ClinVar (database versions not stated): gnomAD exomes below 0.00001 and 0.00002; TOPMed 0.00002; gnomAD 0.00003.
gnomAD v4.1: 27 of 1,567,058 alleles (0.0017%); highest among the groups gnomAD compares: Non-Finnish European, 0.0023%; no homozygotes.

Submissions (2):

Labcorp Genetics (formerly Invitae), Labcorp
Classification: Likely benign for Peroxisome biogenesis disorder 9B. Last evaluated: 2024-07-13. Review status: criteria provided, single submitter. Criteria: Invitae Variant Classification Sherloc (09022015). Collection method: clinical testing. Allele origin: germline.

PreventionGenetics, part of Exact Sciences
Classification: Likely benign for PEX7-related condition. Last evaluated: 2021-10-06. Review status: no assertion criteria provided. Collection method: clinical testing. Allele origin: germline. Not counted in ClinVar's aggregate classification.
Comment: This variant is classified as likely benign based on ACMG/AMP sequence variant interpretation guidelines (Richards et al. 2015 PMID: 25741868, with internal and published modifications).

NM_000288.4(PEX7):c.340-8G>A

Gene: PEX7 (peroxisomal biogenesis factor 7; plus strand). Cytogenetic location: 6q23.3.
Variant type: single nucleotide variant.
Coding change: c.340-8G>A on transcript NM_000288.4 (MANE Select); 8 bases into the intron before coding-DNA position 340, G replaced by A.
Molecular consequence: intron variant.
Genome position (GRCh38, 1-based): chr6:136,845,607, G>A. VCF-style: chr6-136845607-G-A. GRCh37 (hg19) VCF-style: chr6-137166745-G-A.
Identifiers: ClinVar variation 760528 (VCV000760528.12), dbSNP rs528317074, ClinGen allele CA148643329.